The following is an entry in ClinVar:

NM_001356.5(DDX3X):c.826_838dup (p.Val280fs)

Gene: DDX3X (DEAD-box helicase 3 X-linked; plus strand). Cytogenetic location: Xp11.4.
Variant type: Duplication.
Coding change: c.826_838dup on transcript NM_001356.5 (MANE Select); coding-DNA positions 826 to 838, 13 bases duplicated (AGAGAGTTGGCAG).
Protein change: p.Val280fs; shifts the reading frame from valine 280.
Molecular consequence: frameshift variant. On other transcripts: non-coding transcript variant (1).
Genome position (GRCh38, 1-based): chrX:41,344,090-41,344,102, AGAGAGTTGGCAG duplicated; duplicating any 13 consecutive bases within chrX:41,344,089-41,344,102 gives the same sequence; the c. name uses the placement nearest the transcript's 3' end. VCF-style (leftmost placement, unchanged base first): chrX-41344088-C-CGAGAGAGTTGGCA. GRCh37 (hg19) VCF-style: chrX-41203341-C-CGAGAGAGTTGGCA.
Other names: c.826_838dup, p.Val280fs (NM_001193416.3); c.778_790dup, p.Val264fs (NM_001193417.3); c.268_280dup, p.Val94fs (NM_001363819.1); short protein forms V264fs, V280fs, V94fs.
Identifiers: ClinVar variation 4530089 (VCV004530089.1).
Genomic context (GRCh38, chrX:41,344,088, plus strand): 5'-AGGAAAATGGAAGGTATGGGCGCCGCAAACAATACCCAATCTCCTTGGTATTAGCACCAA[C>CGAGAGAGTTGGCA]GAGAGAGTTGGCAGTACAGATCTACGAGGAAGCCAGAAAAGTAAGTATGAGTTCCAGTGA-3'

ClinVar aggregate classification (somatic clinical impact): Tier II - Potential (1 of 4 stars; one submission).

Conditions:
Medulloblastoma non-WNT/non-SHH group 4. Identifiers: MedGen C4330666, MONDO:0956967.

Submission:

Institute for Genomic Medicine (IGM) Clinical Laboratory, Nationwide Children's Hospital
Classification: Tier II - Potential for Medulloblastoma non-WNT/non-SHH group 4. Assertion type: diagnostic. Clinical significance: supports diagnosis. Last evaluated: 2025-11-04. Review status: criteria provided, single submitter. Criteria: AMP/ASCO/CAP Guidelines, 2017. Collection method: clinical testing. Allele origin: somatic. Affected: yes.
Comment: Variant has Tier II (potential) clinical significance as a diagnostic inclusion criterion in medulloblastoma non-WNT/non-SHH group 4, based on the following evidence: 1) Documented in one or more cancer databases (e.g., St. Jude Pecan, COSMIC, CIViC, OncoKB). 2) Information in the literature supports potential biologic effect of variant. 3) Diagnostic significance based on multiple small studies (Evidence Level C; PMIDs: 22820256, 22832583, 22722829, 28726821).

Literature cited by the submitters: PubMed 22820256; PubMed 22832583; PubMed 22722829; PubMed 28726821.